The following is an entry in ClinVar:

NM_003482.4(KMT2D):c.1240T>C (p.Cys414Arg)

Gene: KMT2D (lysine methyltransferase 2D; minus strand). Cytogenetic location: 12q13.12.
Variant type: single nucleotide variant.
Coding change: c.1240T>C on transcript NM_003482.4 (MANE Select); coding-DNA position 1240, T replaced by C.
Protein change: p.Cys414Arg; replaces cysteine 414 with arginine.
Molecular consequence: missense variant.
Genome position (GRCh38, 1-based): chr12:49,052,582, A>G on the plus strand (T>C on the coding strand, the complement: KMT2D is on the minus strand). VCF-style: chr12-49052582-A-G. GRCh37 (hg19) VCF-style: chr12-49446365-A-G.
Other names: short protein forms C414R.
Identifiers: ClinVar variation 2771469 (VCV002771469.3), dbSNP rs2498461462, ClinGen allele CA384676134.

ClinVar aggregate classification (germline): Uncertain significance (1 of 4 stars; one submission).

Conditions:
Kabuki syndrome. Also called: NIIKAWA-KUROKI SYNDROME; Kabuki make-up syndrome. Identifiers: Orphanet 2322, MedGen C0796004, MONDO:0016512.

Submission:

Labcorp Genetics (formerly Invitae), Labcorp
Classification: Uncertain significance for Kabuki syndrome. Last evaluated: 2023-11-07. Review status: criteria provided, single submitter. Criteria: Invitae Variant Classification Sherloc (09022015). Collection method: clinical testing. Allele origin: germline.
Comment: This sequence change replaces cysteine, which is neutral and slightly polar, with arginine, which is basic and polar, at codon 414 of the KMT2D protein (p.Cys414Arg). This variant is not present in population databases (gnomAD no frequency). This variant has not been reported in the literature in individuals affected with KMT2D-related conditions. Advanced modeling of protein sequence and biophysical properties (such as structural, functional, and spatial information, amino acid conservation, physicochemical variation, residue mobility, and thermodynamic stability) performed at Invitae indicates that this missense variant is not expected to disrupt KMT2D protein function with a negative predictive value of 95%. In summary, the available evidence is currently insufficient to determine the role of this variant in disease. Therefore, it has been classified as a Variant of Uncertain Significance.